The following is an entry in ClinVar:

ClinVar aggregate classification (germline): Uncertain significance (1 of 4 stars; one submission).

Allele frequency attached by ClinVar (database versions not stated): gnomAD exomes below 0.00001.
gnomAD v4.1: 6 of 1,614,138 alleles (0.00037%); highest among the groups gnomAD compares: African/African-American, 0.0027%; no homozygotes.

Submission:

Ambry Genetics
Classification: Uncertain significance. Last evaluated: 2024-02-27. Review status: criteria provided, single submitter. Criteria: Ambry Variant Classification Scheme 2023. Collection method: clinical testing. Allele origin: germline.
Comment: The p.E114G variant (also known as c.341A>G), located in coding exon 5 of the RAD54L gene, results from an A to G substitution at nucleotide position 341. The glutamic acid at codon 114 is replaced by glycine, an amino acid with similar properties. This amino acid position is conserved. In addition, this alteration is predicted to be tolerated by in silico analysis. Since supporting evidence is limited at this time, the clinical significance of this alteration remains unclear.

NM_003579.4(RAD54L):c.341A>G (p.Glu114Gly)

Gene: RAD54L (RAD54 like; plus strand). Cytogenetic location: 1p34.1.
Variant type: single nucleotide variant.
Coding change: c.341A>G on transcript NM_003579.4 (MANE Select); coding-DNA position 341, A replaced by G.
Protein change: p.Glu114Gly; replaces glutamic acid 114 with glycine.
Molecular consequence: missense variant. On other transcripts: 5 prime UTR variant (1).
Genome position (GRCh38, 1-based): chr1:46,260,033, A>G. VCF-style: chr1-46260033-A-G. GRCh37 (hg19) VCF-style: chr1-46725705-A-G.
Other names: c.341A>G, p.Glu114Gly (NM_001142548.2); c.-200A>G (NM_001370766.1); short protein forms E114G.
Identifiers: ClinVar variation 1731239 (VCV001731239.2), dbSNP rs1341308242, ClinGen allele CA340182273.